The following is an entry in ClinVar:

ClinVar aggregate classification (germline): Uncertain significance (1 of 4 stars; one submission).

Conditions:
Generalized epilepsy with febrile seizures plus, type 7 (GEFSP7). Also called: GEFS+, TYPE 7. Identifiers: Orphanet 36387, MedGen C2751778, MONDO:0013470, OMIM 613863.
Neuropathy, hereditary sensory and autonomic, type 2A (HSAN2A). Also called: ACROOSTEOLYSIS, GIACCAI TYPE; ACROOSTEOLYSIS, NEUROGENIC; WNK1-Related HSAN2 (HSAN2A); HSAN IIA; MORVAN DISEASE; NEUROPATHY, CONGENITAL SENSORY. Identifiers: Orphanet 970, MedGen C2752089, MONDO:0024309, OMIM 201300.

Submission:

Labcorp Genetics (formerly Invitae), Labcorp
Classification: Uncertain significance for Neuropathy, hereditary sensory and autonomic, type 2A; Generalized epilepsy with febrile seizures plus, type 7. Last evaluated: 2020-06-27. Review status: criteria provided, single submitter. Criteria: Invitae Variant Classification Sherloc (09022015). Collection method: clinical testing. Allele origin: germline.
Comment: In summary, the available evidence is currently insufficient to determine the role of this variant in disease. Therefore, it has been classified as a Variant of Uncertain Significance. Algorithms developed to predict the effect of missense changes on protein structure and function (SIFT, PolyPhen-2, Align-GVGD) all suggest that this variant is likely to be tolerated, but these predictions have not been confirmed by published functional studies and their clinical significance is uncertain. This variant has not been reported in the literature in individuals with SCN9A-related conditions. This variant is not present in population databases (ExAC no frequency). This sequence change replaces leucine with glutamine at codon 293 of the SCN9A protein (p.Leu293Gln). The leucine residue is moderately conserved and there is a moderate physicochemical difference between leucine and glutamine.

NM_001365536.1(SCN9A):c.878T>A (p.Leu293Gln)

Gene: SCN9A (sodium voltage-gated channel alpha subunit 9; minus strand). Cytogenetic location: 2q24.3.
Variant type: single nucleotide variant.
Coding change: c.878T>A on transcript NM_001365536.1 (MANE Select); coding-DNA position 878, T replaced by A.
Protein change: p.Leu293Gln; replaces leucine 293 with glutamine.
Molecular consequence: missense variant.
Genome position (GRCh38, 1-based): chr2:166,303,113, A>T on the plus strand (T>A on the coding strand, the complement: SCN9A is on the minus strand). VCF-style: chr2-166303113-A-T. GRCh37 (hg19) VCF-style: chr2-167159623-A-T.
Other names: c.878T>A, p.Leu293Gln (NM_002977.4); short protein forms L293Q.
Identifiers: ClinVar variation 1063492 (VCV001063492.9), dbSNP rs2106522124, ClinGen allele CA349092300.